The following is an entry in ClinVar:

ClinVar aggregate classification (germline): Likely pathogenic. Review status: criteria provided, multiple submitters, no conflicts (2 of 4 stars). 5 submissions from 5 submitters: Likely pathogenic (3). 2 of the submissions do not count toward it. Last evaluated 2025-08-17.

Conditions:
Dilated cardiomyopathy 1G (CMD1G). Identifiers: Orphanet 154, MedGen C1858763, MONDO:0011400, OMIM 604145.
Autosomal recessive limb-girdle muscular dystrophy type 2J (LGMDR10). Also called: Limb-girdle muscular dystrophy, type 2J; MUSCULAR DYSTROPHY, LIMB-GIRDLE, AUTOSOMAL RECESSIVE 10. Identifiers: Orphanet 140922, MedGen C1837342, MONDO:0012127, OMIM 608807.

Submissions (5):

Labcorp Genetics (formerly Invitae), Labcorp
Classification: Likely pathogenic for Dilated cardiomyopathy 1G; Autosomal recessive limb-girdle muscular dystrophy type 2J. Last evaluated: 2025-08-17. Review status: criteria provided, single submitter. Criteria: Invitae Variant Classification Sherloc (09022015). Collection method: clinical testing. Allele origin: germline.
Comment: This sequence change creates a premature translational stop signal (p.Lys26381*) in the TTN gene. While this is not anticipated to result in nonsense mediated decay, it is expected to create a truncated TTN protein. This variant is not present in population databases (gnomAD no frequency). This premature translational stop signal has been observed in individual(s) with dilated cardiomyopathy (PMID: 31112426; internal data). ClinVar contains an entry for this variant (Variation ID: 430400). This variant is located in the A band of TTN (PMID: 25589632). Truncating variants in this region are significantly overrepresented in patients affected with dilated cardiomyopathy (PMID: 25589632). Truncating variants in this region have also been reported in individuals affected with autosomal recessive centronuclear myopathy (PMID: 23975875). In summary, the currently available evidence indicates that the variant is pathogenic, but additional data are needed to prove that conclusively. Therefore, this variant has been classified as Likely Pathogenic.

GeneDx
Classification: Likely pathogenic. Last evaluated: 2024-05-16. Review status: criteria provided, single submitter. Criteria: GeneDx Variant Classification Process June 2021. Collection method: clinical testing. Allele origin: germline. Affected: yes.
Comment: Reported in association with DCM in published literature (PMID: 31112426); Not observed at significant frequency in large population cohorts (gnomAD); Nonsense variant predicted to result in protein truncation or nonsense mediated decay in a gene for which loss of function is a known mechanism of disease; Located in the A-band region of TTN in which the majority of loss of function variants have been associated with autosomal dominant titinopathies (PMID: 22335739); This variant is associated with the following publications: (PMID: 31112426, 22335739)

Mayo Clinic Laboratories, Mayo Clinic
Classification: Likely pathogenic. Last evaluated: 2020-07-29. Review status: criteria provided, single submitter. Criteria: ACMG Guidelines, 2015. Collection method: clinical testing. Allele origin: germline. Observed: 1 variant allele.
Comment: PVS1, PM2

Clinical Genetics, Academic Medical Center
Classification: Likely pathogenic. Review status: no assertion criteria provided. Collection method: clinical testing. Allele origin: germline. Affected: yes. Study: VKGL Data-share Consensus. Not counted in ClinVar's aggregate classification.

Diagnostic Laboratory, Department of Genetics, University Medical Center Groningen
Classification: Likely pathogenic. Review status: no assertion criteria provided. Collection method: clinical testing. Allele origin: germline. Affected: yes. Study: VKGL Data-share Consensus. Not counted in ClinVar's aggregate classification.

Literature cited by the submitters: PubMed 31112426 (cited by Labcorp Genetics (formerly Invitae), Labcorp); PubMed 25589632 (cited by Labcorp Genetics (formerly Invitae), Labcorp); PubMed 23975875 (cited by Labcorp Genetics (formerly Invitae), Labcorp).

NM_001267550.2(TTN):c.79141A>T (p.Lys26381Ter)

Genes: TTN (titin; minus strand), TTN-AS1 (TTN antisense RNA 1; plus strand). Cytogenetic location: 2q31.2.
Variant type: single nucleotide variant.
Coding change: c.79141A>T on transcript NM_001267550.2 (MANE Select); coding-DNA position 79141, A replaced by T.
Protein change: p.Lys26381Ter; replaces lysine 26381 with a stop codon.
Molecular consequence: nonsense.
Genome position (GRCh38, 1-based): chr2:178,566,991, T>A on the plus strand (A>T on the coding strand, the complement: TTN is on the minus strand). VCF-style: chr2-178566991-T-A. GRCh37 (hg19) VCF-style: chr2-179431718-T-A.
Other names: c.74218A>T, p.Lys24740Ter (NM_001256850.1); c.51946A>T, p.Lys17316Ter (NM_003319.4); c.71437A>T, p.Lys23813Ter (NM_133378.4); c.52321A>T, p.Lys17441Ter (NM_133432.3); c.52522A>T, p.Lys17508Ter (NM_133437.4); c.79141A>T (NM_001267550.1); short protein forms K24740*, K26381*, K17441*, K17316*, K17508*, K23813*.
Identifiers: ClinVar variation 430400 (VCV000430400.21), dbSNP rs1131691944, ClinGen allele CA349599445.